The following continues an entry in ClinVar:

NM_000059.4(BRCA2):c.4585G>A (p.Gly1529Arg)

Gene: BRCA2. ClinVar aggregate classification (germline): Benign. Benign (1).

Submissions 20 to 37 of 37:

Genome Diagnostics Laboratory, University Medical Center Utrecht
Classification: Likely benign for Breast-ovarian cancer, familial, susceptibility to, 2. Last evaluated: 2015-06-15. Review status: criteria provided, single submitter. Criteria: ACGS Guidelines, 2013. Collection method: clinical testing. Allele origin: germline. Affected: yes. Study: VKGL Data-share Consensus. Not counted in ClinVar's aggregate classification.

Women's Health and Genetics/Laboratory Corporation of America, LabCorp
Classification: Benign for Hereditary breast ovarian cancer syndrome. Last evaluated: 2015-04-06. Review status: criteria provided, single submitter. Criteria: LabCorp Variant Classification Summary - May 2015. Collection method: clinical testing. Allele origin: germline. Not counted in ClinVar's aggregate classification.
Comment: Variant summary: The variant of interest causes a missense change in a conserved position with 4/4 in silico programs predicting a "deleterious" outcome (SNPs&Go not captured here due to low reliability index). The variant of interest has an observed allele frequency of 57/121370 (1/2127) in controls, which does not significantly exceed the maximum expect allele frequency for a pathogenic BRCA2 variant, 1/1333. Although, functional studies show no impairment on exon splicing but conflicting evidence for a role in homologous recombination via recruitment of RAD51, however, this functional analysis has not been indepdently reproduced by other laboratories and their relevance to in-vivo mechanisms of pathogenicity have not been unequivocally established. Furthermore, multiple reputable databases (ARUP, UMD, BIC, SCRP, GeneDx and Ambry Genetics) and publications (Easton_2007 and Lindor_2012) classify the variant as likely benign/benign/neutral. . Therefore, taken together, the variant of interest is classified as benign.

Color Diagnostics, LLC DBA Color Health
Classification: Likely benign for Hereditary cancer-predisposing syndrome. Last evaluated: 2015-04-02. Review status: criteria provided, single submitter. Criteria: ACMG Guidelines, 2015. Collection method: clinical testing. Allele origin: germline. Not counted in ClinVar's aggregate classification.

Ambry Genetics
Classification: Benign for Hereditary cancer-predisposing syndrome. Last evaluated: 2014-11-19. Review status: criteria provided, single submitter. Criteria: Ambry Variant Classification Scheme 2023. Collection method: clinical testing. Allele origin: germline. Not counted in ClinVar's aggregate classification.

Pathway Genomics
Classification: Likely benign for Breast-ovarian cancer, familial 2. Last evaluated: 2014-10-30. Review status: criteria provided, single submitter. Criteria: ACMG Guidelines, 2015. Collection method: clinical testing. Allele origin: germline. Not counted in ClinVar's aggregate classification.

BRCAlab, Lund University
Classification: Benign for Breast-ovarian cancer, familial, susceptibility to, 2. Last evaluated: 2020-03-02. Review status: no assertion criteria provided. Collection method: clinical testing. Allele origin: germline. Affected: yes. Not counted in ClinVar's aggregate classification.

PreventionGenetics, part of Exact Sciences
Classification: Benign for BRCA2-related condition. Last evaluated: 2019-03-14. Review status: no assertion criteria provided. Collection method: clinical testing. Allele origin: germline. Not counted in ClinVar's aggregate classification.
Comment: This variant is classified as benign based on ACMG/AMP sequence variant interpretation guidelines (Richards et al. 2015 PMID: 25741868, with internal and published modifications).

True Health Diagnostics
Classification: Likely benign for Hereditary cancer-predisposing syndrome. Last evaluated: 2017-09-11. Review status: no assertion criteria provided. Collection method: clinical testing. Allele origin: germline. Not counted in ClinVar's aggregate classification.

Mayo Clinic Laboratories, Mayo Clinic
Classification: Likely benign. Last evaluated: 2015-10-07. Review status: no assertion criteria provided. Collection method: clinical testing. Allele origin: unknown. Not counted in ClinVar's aggregate classification.

CSER _CC_NCGL, University of Washington
Classification: Likely benign for Breast and/or ovarian cancer. Last evaluated: 2014-06-01. Review status: no assertion criteria provided. Collection method: research. Allele origin: germline. Inheritance: Autosomal dominant inheritance. Study: ESP 6500 variant annotation. Not counted in ClinVar's aggregate classification.
Comment: Variants classified for the Actionable exomic incidental findings in 6503 participants: challenges of variant classification manuscript

Counsyl
Classification: Benign for Breast-ovarian cancer, familial 2. Last evaluated: 2014-04-02. Review status: no assertion criteria provided. Collection method: literature only. Allele origin: unknown. Inheritance: Autosomal dominant inheritance. Not counted in ClinVar's aggregate classification.

Sharing Clinical Reports Project (SCRP)
Classification: Benign for Breast-ovarian cancer, familial 2. Last evaluated: 2011-03-01. Review status: no assertion criteria provided. Collection method: clinical testing. Allele origin: germline. Not counted in ClinVar's aggregate classification.

Breast Cancer Information Core (BIC) (BRCA2)
Classification: Benign for Breast-ovarian cancer, familial 2. Last evaluated: 2002-05-29. Review status: no assertion criteria provided. Collection method: clinical testing. Allele origin: germline. Affected: yes. Observed: 75 variant alleles. Not counted in ClinVar's aggregate classification.

Clinical Genetics Laboratory, Department of Pathology, Netherlands Cancer Institute
Classification: Benign. Review status: no assertion criteria provided. Collection method: clinical testing. Allele origin: germline. Affected: yes. Study: VKGL Data-share Consensus. Not counted in ClinVar's aggregate classification.

Department of Pathology and Laboratory Medicine, Sinai Health System
Classification: Likely benign. Review status: no assertion criteria provided. Collection method: clinical testing. Allele origin: unknown. Affected: yes. Study: The Canadian Open Genetics Repository (COGR). Not counted in ClinVar's aggregate classification.
Comment: The BRCA2 p.Gly1529Arg variant was identified in 4 of 6448 proband chromosomes (frequency: 0.001) from individuals with breast or ovarian cancer (Borg 2010, Kauff 2008, Sinclair 2002). Two functional studies suggest that the variant affects binding with Rad51 (Chen 1999, Tal 2009), and one in silico study predicts that this variant may be deleterious using hierarchal modeling (Capanu 2011). However, there is conflicting evidence, two additional in silico studies using multifactorial-likelihood ratio models predict the variant to be neutral (Easton 2007, Lindor 2012). The variant was identified in dbSNP (ID: rs28897728) as â€šÃ„ÃºWith Likely benign alleleâ€šÃ„Ã¹, in Clinvitae database (classifications; benign and likely benign), Fanconi Anemia Mutation Database (LOVD), LOVD-IARC database, ARUP Laboratories BRCA Mutations Database (classified as not pathogenic, of no clinical importance), COSMIC (in a medulloblastoma and endometrioid carcinoma), the ClinVar database (classification benign, reviewed by an expert panel, multiple submitters), GeneInsight COGR database (classifications of likely benign, benign, and uncertain significance by 4 clinical laboratories), the BIC database (75x with no clinical importance), and UMD (62x with a â€šÃ„Ãºneutralâ€šÃ„Ã¹ classification, co-occurring with deleterious BRCA1, c.3226A>T, p.Arg1076X, BRCA2, c.5350_5351delAA, p.Asn1784HisfsX2, and BRCA2, c.8755_10257del, p.Gly2919fsx15 variants, increasing the likelihood that the p.Gly1529Arg variant does not have clinical significance. The variant was also identified in the 1000 Genomes Project in 3 of 5000 chromosomes (frequency: 0.0006), HAPMAP populations -EUR in 2 of 1006 chromosomes (frequency: 0.002) and AMR in 1 of 694 chromosomes (frequency: 0.0014), NHLBI GO Exome Sequencing Project in 6 of 8600 European American alleles (frequency: 0.0007), and the Exome Aggregation Consortium (March 14, 2016) in 51 of 120448 chromosomes (freq. 0.00042) in the following populations: European (Non-Finnish) in 42 of 66226 chromosomes (freq. 0.00063), South Asian in 6 of 16482 chromosomes (freq. 0.00036), Latino in 2 of 11536 chromosomes (freq. 0.00017), and other in 1 of 898 chromosomes (freq. 0.00011) but was not seen in African, East Asian, and Finnish populations. The p.Gly1529 residue is conserved across mammals and lower organisms and computational analyses (PolyPhen-2, SIFT, AlignGVGD, BLOSUM, Mutation Taster) suggest that the p.Gly1529Arg variant may impact the protein however this information is not predictive enough to assume pathogenicity. The variant occurs outside of the splicing consensus sequence and 1 of 5 in silico or computational prediction software programs (SpliceSiteFinder, MaxEntScan, NNSPLICE, GeneSplicer, HumanSpliceFinder) predict a greater than 10% difference in splicing; this is not very predictive of pathogenicity. In summary, based on the above information, the clinical significance of this variant cannot be determined with certainty at this time although we would lean towards a more benign role for this variant. This variant is classified as likely benign.

Dr. Peter K. Rogan Lab, Western University
No classification provided (evidence only). Condition: Lung cancer. Review status: no classification provided. Collection method: in vitro. Allele origin: not applicable. Functional consequence: retained intron. Not counted in ClinVar's aggregate classification.

Joint Genome Diagnostic Labs from Nijmegen and Maastricht, Radboudumc and MUMC+
Classification: Benign. Review status: no assertion criteria provided. Collection method: clinical testing. Allele origin: germline. Affected: yes. Study: VKGL Data-share Consensus. Not counted in ClinVar's aggregate classification.

Laboratory of Diagnostic Genome Analysis, Leiden University Medical Center (LUMC)
Classification: Benign. Review status: no assertion criteria provided. Collection method: clinical testing. Allele origin: germline. Affected: yes. Study: VKGL Data-share Consensus. Not counted in ClinVar's aggregate classification.

Literature cited by the submitters: PubMed 21990134 (cited by 4 submitters); PubMed 18284688 (cited by Illumina Laboratory Services, Illumina and Women's Health and Genetics/Laboratory Corporation of America, LabCorp); PubMed 10551859 (cited by 3 submitters); PubMed 17924331 (cited by 3 submitters); PubMed 22811390 (cited by Illumina Laboratory Services, Illumina and Women's Health and Genetics/Laboratory Corporation of America, LabCorp); PubMed 23071527 (cited by Illumina Laboratory Services, Illumina); PubMed 11447276 (cited by Illumina Laboratory Services, Illumina); PubMed 23231788 (cited by 3 submitters); PubMed 20104584 (cited by 3 submitters); PubMed 20927582 (cited by Illumina Laboratory Services, Illumina and Women's Health and Genetics/Laboratory Corporation of America, LabCorp); PubMed 12442171 (cited by Illumina Laboratory Services, Illumina and Counsyl); PubMed 24323938 (cited by Illumina Laboratory Services, Illumina and Women's Health and Genetics/Laboratory Corporation of America, LabCorp); PubMed 24055113 (cited by Illumina Laboratory Services, Illumina and Women's Health and Genetics/Laboratory Corporation of America, LabCorp); PubMed 21520273 (cited by 3 submitters); PubMed 16030099 (cited by Women's Health and Genetics/Laboratory Corporation of America, LabCorp); PubMed 16284991 (cited by Women's Health and Genetics/Laboratory Corporation of America, LabCorp); PubMed 15983021 (cited by Women's Health and Genetics/Laboratory Corporation of America, LabCorp); PubMed 11802209 (cited by Women's Health and Genetics/Laboratory Corporation of America, LabCorp); PubMed 19471317 (cited by Women's Health and Genetics/Laboratory Corporation of America, LabCorp); PubMed 12491499 (cited by Women's Health and Genetics/Laboratory Corporation of America, LabCorp); PubMed 20694749 (cited by Women's Health and Genetics/Laboratory Corporation of America, LabCorp); PubMed 23555315 (cited by Women's Health and Genetics/Laboratory Corporation of America, LabCorp); PubMed 18418466 (cited by Women's Health and Genetics/Laboratory Corporation of America, LabCorp); PubMed 19747923 (cited by Women's Health and Genetics/Laboratory Corporation of America, LabCorp and Counsyl); PubMed 18951449 (cited by Women's Health and Genetics/Laboratory Corporation of America, LabCorp); PubMed 11873550 (cited by Counsyl); PubMed 4055113 (cited by Counsyl); PubMed 7924331 (cited by Counsyl).